The following is an entry in ClinVar:

ClinVar aggregate classification (germline): Pathogenic (1 of 4 stars; one submission).

Submission:

GeneDx
Classification: Pathogenic. Last evaluated: 2018-01-11. Review status: criteria provided, single submitter. Criteria: GeneDx Variant Classification (06012015). Collection method: clinical testing. Allele origin: germline. Affected: yes.
Comment: The L133X variant in the KDM6A gene has not been reported previously as a pathogenic variant nor as a benign variant, to our knowledge. This variant is predicted to cause loss of normal protein function either through protein truncation or nonsense-mediated mRNA decay. The L133X variant is not observed in large population cohorts (Lek et al., 2016). We interpret L133X as a pathogenic variant.

NM_001291415.2(KDM6A):c.398T>G (p.Leu133Ter)

Gene: KDM6A (lysine demethylase 6A; plus strand). Cytogenetic location: Xp11.3.
Variant type: single nucleotide variant.
Coding change: c.398T>G on transcript NM_001291415.2 (MANE Select); coding-DNA position 398, T replaced by G.
Protein change: p.Leu133Ter; replaces leucine 133 with a stop codon.
Molecular consequence: nonsense. On other transcripts: 5 prime UTR variant (1), non-coding transcript variant (1).
Genome position (GRCh38, 1-based): chrX:45,010,974, T>G. VCF-style: chrX-45010974-T-G. GRCh37 (hg19) VCF-style: chrX-44870219-T-G.
Other names: c.398T>G, p.Leu133Ter (NM_001291416.2, NM_001291417.2, NM_001291418.2 and 1 more transcripts); c.-235T>G (NM_001291421.2); short protein forms L133*.
Identifiers: ClinVar variation 489348 (VCV000489348.2), dbSNP rs1556115974, ClinGen allele CA413022096.
Genomic context (GRCh38, chrX:45,010,974, plus strand): 5'-TTAGATACAAGTATTTTTCCTAAAAATCTTTTTCCCTTCCTTTACAGAATGCTGCCTTTT[T>G]ATATGGTCTTGGTTTGGTCTACTTCCATTATAATGCATTTCAGTGGTAAGTTGACATAAA-3'